The following is an entry in ClinVar:

ClinVar aggregate classification (germline): Uncertain significance. Review status: criteria provided, multiple submitters, no conflicts (2 of 4 stars). 2 submissions from 2 submitters: Uncertain significance (2). Last evaluated 2025-12-01.

Allele frequency attached by ClinVar (database versions not stated): ExAC 0.00001; gnomAD 0.00001; gnomAD exomes 0.00001; TOPMed 0.00001.
gnomAD v4.1: 15 of 1,613,978 alleles (0.00093%); highest among the groups gnomAD compares: East Asian, 0.013%; no homozygotes.

Submissions (2):

CeGaT Center for Human Genetics Tuebingen
Classification: Uncertain significance. Last evaluated: 2025-12-01. Review status: criteria provided, single submitter. Criteria: CeGaT Center For Human Genetics Tuebingen Variant Classification Criteria Version 2. Collection method: clinical testing. Allele origin: germline. Affected: yes. Observed: 1 variant allele.
Comment: NLRP1: PM2, BP4

Labcorp Genetics (formerly Invitae), Labcorp
Classification: Uncertain significance. Last evaluated: 2025-02-08. Review status: criteria provided, single submitter. Criteria: Invitae Variant Classification Sherloc (09022015). Collection method: clinical testing. Allele origin: germline.
Comment: This sequence change replaces alanine, which is neutral and non-polar, with valine, which is neutral and non-polar, at codon 126 of the NLRP1 protein (p.Ala126Val). This variant is present in population databases (rs779228750, gnomAD 0.03%). This variant has not been reported in the literature in individuals affected with NLRP1-related conditions. ClinVar contains an entry for this variant (Variation ID: 2887416). An algorithm developed to predict the effect of missense changes on protein structure and function (PolyPhen-2) suggests that this variant is likely to be tolerated. In summary, the available evidence is currently insufficient to determine the role of this variant in disease. Therefore, it has been classified as a Variant of Uncertain Significance.

NM_033004.4(NLRP1):c.377C>T (p.Ala126Val)

Gene: NLRP1 (NLR family pyrin domain containing 1; minus strand). Cytogenetic location: 17p13.2.
Variant type: single nucleotide variant.
Coding change: c.377C>T on transcript NM_033004.4 (MANE Select); coding-DNA position 377, C replaced by T.
Protein change: p.Ala126Val; replaces alanine 126 with valine.
Molecular consequence: missense variant.
Genome position (GRCh38, 1-based): chr17:5,582,741, G>A on the plus strand (C>T on the coding strand, the complement: NLRP1 is on the minus strand). VCF-style: chr17-5582741-G-A. GRCh37 (hg19) VCF-style: chr17-5486061-G-A.
Other names: c.377C>T, p.Ala126Val (NM_001033053.3, NM_014922.5, NM_033006.4 and 1 more transcripts); short protein forms A126V.
Identifiers: ClinVar variation 2887416 (VCV002887416.8), dbSNP rs779228750, ClinGen allele CA8327592.